The following is an entry in ClinVar:

ClinVar aggregate classification (germline): Conflicting classifications of pathogenicity. Review status: criteria provided, conflicting classifications (1 of 4 stars). 3 submissions from 3 submitters: Uncertain significance (1); Likely benign (2). Last evaluated 2026-01-22.

Conditions:
LAMA2-related muscular dystrophy (LAMA2-RD). Also called: Laminin alpha 2-related dystrophy. Identifiers: MedGen C5679788, MONDO:0100228.
Congenital muscular dystrophy due to partial LAMA2 deficiency. Identifiers: MedGen C1842898.

Allele frequency attached by ClinVar (database versions not stated): gnomAD 0.00001; TOPMed 0.00001.
gnomAD v4.1: 15 of 1,613,776 alleles (0.00093%); highest among the groups gnomAD compares: East Asian, 0.0022%; no homozygotes.

Submissions (3):

Labcorp Genetics (formerly Invitae), Labcorp
Classification: Likely benign for LAMA2-related muscular dystrophy. Last evaluated: 2026-01-22. Review status: criteria provided, single submitter. Criteria: Invitae Variant Classification Sherloc (09022015). Collection method: clinical testing. Allele origin: germline.

CeGaT Center for Human Genetics Tuebingen
Classification: Likely benign. Last evaluated: 2022-06-01. Review status: criteria provided, single submitter. Criteria: CeGaT Center For Human Genetics Tuebingen Variant Classification Criteria Version 2. Collection method: clinical testing. Allele origin: germline. Affected: yes. Observed: 1 variant allele.
Comment: LAMA2: BP4, BP7

Illumina Laboratory Services, Illumina
Classification: Uncertain significance for Congenital muscular dystrophy due to partial LAMA2 deficiency. Last evaluated: 2018-01-13. Review status: criteria provided, single submitter. Criteria: ICSL Variant Classification Criteria 13 December 2019. Collection method: clinical testing. Allele origin: germline.

NM_000426.4(LAMA2):c.4749C>T (p.Leu1583=)

Gene: LAMA2 (laminin subunit alpha 2; plus strand). Cytogenetic location: 6q22.33.
Variant type: single nucleotide variant.
Coding change: c.4749C>T on transcript NM_000426.4 (MANE Select); coding-DNA position 4749, C replaced by T.
Protein change: p.Leu1583=; no amino-acid change (leucine 1583 retained).
Molecular consequence: synonymous variant.
Genome position (GRCh38, 1-based): chr6:129,366,250, C>T. VCF-style: chr6-129366250-C-T. GRCh37 (hg19) VCF-style: chr6-129687395-C-T.
Other names: c.4749C>T, p.Leu1583= (NM_001079823.2).
Identifiers: ClinVar variation 706113 (VCV000706113.35), dbSNP rs754850670, ClinGen allele CA3993659.